The following is an entry in ClinVar:

ClinVar aggregate classification (germline): Uncertain significance. Review status: criteria provided, multiple submitters, no conflicts (2 of 4 stars). 9 submissions from 9 submitters: Uncertain significance (8). 1 of the submissions does not count toward it. Last evaluated 2026-07-16.

Conditions:
ATM-related disorder. Also called: ATM-related disorders; ATM-related condition.
Hereditary cancer-predisposing syndrome. Also called: Tumor predisposition; Neoplastic Syndromes, Hereditary; Hereditary neoplastic syndrome; Hereditary Cancer Syndrome. Identifiers: Orphanet 140162, MedGen C0027672, MeSH D009386, MONDO:0015356.
Familial cancer of breast. Also called: BREAST CANCER, FAMILIAL; Hereditary breast cancer; hereditary breast carcinoma. Identifiers: Orphanet 227535, MedGen C0346153, MONDO:0016419, OMIM 114480. Disease mechanism: loss of function.
Ataxia-telangiectasia syndrome (AT). Also called: Ataxia-telangiectasia, complementation group D; AT, COMPLEMENTATION GROUP C; Cerebello-oculocutaneous telangiectasia; Immunodeficiency with ataxia telangiectasia; ATAXIA-TELANGIECTASIA, COMPLEMENTATION GROUP A; ATAXIA-TELANGIECTASIA, FRESNO VARIANT. Identifiers: Orphanet 100, MedGen C0004135, MONDO:0008840, OMIM 208900.

Allele frequency attached by ClinVar (database versions not stated): gnomAD exomes below 0.00001; TOPMed 0.00001; ExAC 0.00002.
gnomAD v4.1: 2 of 1,613,632 alleles (0.00012%); highest among the groups gnomAD compares: Admixed American, 0.0033%; no homozygotes.

Submissions (9):

PreventionGenetics, part of Exact Sciences
Classification: Uncertain significance for ATM-related condition. Last evaluated: 2026-07-16. Review status: criteria provided, single submitter. Criteria: ACMG Guidelines, 2015. Collection method: clinical testing. Allele origin: germline.
Comment: The ATM c.5618G>T variant is predicted to result in the amino acid substitution p.Cys1873Phe. This variant was reported in an individual with glioblastoma (Supplementary Data 12, Lu et al. 2015. PubMed ID: 26689913). This variant is reported in 0.0029% of alleles in individuals of Latino descent in gnomAD and is interpreted as uncertain in ClinVar (Variation ID: 142107). At this time, the clinical significance of this variant is uncertain due to the absence of conclusive functional and genetic evidence.

Women's Health and Genetics/Laboratory Corporation of America, LabCorp
Classification: Uncertain significance. Last evaluated: 2026-03-27. Review status: criteria provided, single submitter. Criteria: LabCorp Variant Classification Summary - May 2015. Collection method: clinical testing. Allele origin: germline.
Comment: Variant summary: ATM c.5618G>T (p.Cys1873Phe) results in a non-conservative amino acid change in the encoded protein sequence. Algorithms developed to predict the effect of missense changes on protein structure and function are either unavailable or do not agree on the potential impact of this missense change. The variant allele was found at a frequency of 4e-06 in 250372 control chromosomes. The available data on variant occurrences in the general population are insufficient to allow any conclusion about variant significance. c.5618G>T has been observed in an individual from The Cancer Genome Atlas (TCGA) dataset who was affected with glioblastoma (Lu_2015). This report does not provide unequivocal conclusions about association of the variant with ATM-related conditions. To our knowledge, no experimental evidence demonstrating an impact on protein function has been reported. The following publication has been ascertained in the context of this evaluation (PMID: 26689913). ClinVar contains an entry for this variant (Variation ID: 142107). Based on the evidence outlined above, the variant was classified as uncertain significance.

Labcorp Genetics (formerly Invitae), Labcorp
Classification: Uncertain significance for Ataxia-telangiectasia syndrome. Last evaluated: 2026-01-28. Review status: criteria provided, single submitter. Criteria: Invitae Variant Classification Sherloc (09022015). Collection method: clinical testing. Allele origin: germline.
Comment: This sequence change replaces cysteine, which is neutral and slightly polar, with phenylalanine, which is neutral and non-polar, at codon 1873 of the ATM protein (p.Cys1873Phe). This variant is present in population databases (rs587782239, gnomAD 0.009%). This missense change has been observed in individual(s) with glioblastoma multiforme (PMID: 26689913). ClinVar contains an entry for this variant (Variation ID: 142107). Invitae Evidence Modeling of protein sequence and biophysical properties (such as structural, functional, and spatial information, amino acid conservation, physicochemical variation, residue mobility, and thermodynamic stability) indicates that this missense variant is not expected to disrupt ATM protein function with a negative predictive value of 95%. In summary, the available evidence is currently insufficient to determine the role of this variant in disease. Therefore, it has been classified as a Variant of Uncertain Significance.

GeneDx
Classification: Uncertain significance. Last evaluated: 2025-07-23. Review status: criteria provided, single submitter. Criteria: GeneDx Variant Classification Process June 2021. Collection method: clinical testing. Allele origin: germline. Affected: yes.
Comment: Not observed at significant frequency in large population cohorts (gnomAD); In silico analysis suggests that this missense variant does not alter protein structure/function; Observed in individuals with glioblastoma or renal cancer (PMID: 26689913, 29684080); This variant is associated with the following publications: (PMID: 26689913, 29684080)

Ambry Genetics
Classification: Uncertain significance for Hereditary cancer-predisposing syndrome. Last evaluated: 2025-06-17. Review status: criteria provided, single submitter. Criteria: Ambry Variant Classification Scheme 2023. Collection method: clinical testing. Allele origin: germline.
Comment: The p.C1873F variant (also known as c.5618G>T), located in coding exon 36 of the ATM gene, results from a G to T substitution at nucleotide position 5618. The cysteine at codon 1873 is replaced by phenylalanine, an amino acid with highly dissimilar properties. In a study of whole-exome sequencing in patients with features of Cowden syndrome (CS) or Bannayan-Riley-Ruvalcaba syndrome (BRRS) and negative PTEN testing, this variant was identified in 0/87 patients with CS or BRRS and 1/3476 patients from The Cancer Genome Atlas (TCGA) (Yehia L et al. PLoS Genet, 2018 04;14:e1007352). This variant has also been reported in a glioblastoma patient from a cohort of 4034 cancer cases from The Cancer Genome Atlas (Lu C et al. Nat Commun, 2015 Dec;6:10086). This amino acid position is well conserved in available vertebrate species. In addition, this alteration is predicted to be tolerated by in silico analysis. Based on the available evidence, the clinical significance of this variant remains unclear.

Athena Diagnostics
Classification: Uncertain significance. Last evaluated: 2025-01-13. Review status: criteria provided, single submitter. Criteria: Athena Diagnostics Criteria. Collection method: clinical testing. Allele origin: unknown.
Comment: Available data are insufficient to determine the clinical significance of the variant at this time. The frequency of this variant in the general population is uninformative in assessment of its pathogenicity. Polyphen and MutationTaster predict this amino acid change may be benign.

Baylor Genetics
Classification: Uncertain significance for Familial cancer of breast. Last evaluated: 2024-03-09. Review status: criteria provided, single submitter. Criteria: ACMG Guidelines, 2015. Collection method: clinical testing. Allele origin: unknown.

Color Diagnostics, LLC DBA Color Health
Classification: Uncertain significance for Hereditary cancer-predisposing syndrome. Last evaluated: 2019-06-22. Review status: criteria provided, single submitter. Criteria: ACMG Guidelines, 2015. Collection method: clinical testing. Allele origin: germline.

Natera, Inc.
Classification: Uncertain significance for Ataxia-telangiectasia. Last evaluated: 2021-03-19. Review status: no assertion criteria provided. Collection method: clinical testing. Allele origin: germline. Not counted in ClinVar's aggregate classification.

Literature cited by the submitters: PubMed 26689913 (cited by 4 submitters); PubMed 29684080 (cited by Ambry Genetics and Athena Diagnostics); PubMed 28569743 (cited by Athena Diagnostics); PubMed 38489015 (cited by Athena Diagnostics); PubMed 30311369 (cited by Athena Diagnostics).

NM_000051.4(ATM):c.5618G>T (p.Cys1873Phe)

Gene: ATM (ATM serine/threonine kinase; plus strand). Cytogenetic location: 11q22.3.
Variant type: single nucleotide variant.
Coding change: c.5618G>T on transcript NM_000051.4 (MANE Select); coding-DNA position 5618, G replaced by T.
Protein change: p.Cys1873Phe; replaces cysteine 1873 with phenylalanine.
Molecular consequence: missense variant.
Genome position (GRCh38, 1-based): chr11:108,304,796, G>T. VCF-style: chr11-108304796-G-T. GRCh37 (hg19) VCF-style: chr11-108175523-G-T.
Other names: c.5618G>T, p.Cys1873Phe (NM_001351834.2); short protein forms C1873F.
Identifiers: ClinVar variation 142107 (VCV000142107.32), dbSNP rs587782239, ClinGen allele CA167424.